The following is an entry in ClinVar:

NM_001127222.2(CACNA1A):c.6981G>A (p.Val2327=)

Gene: CACNA1A (calcium voltage-gated channel subunit alpha1 A; minus strand). Cytogenetic location: 19p13.13.
Variant type: single nucleotide variant.
Coding change: c.6981G>A on transcript NM_001127222.2 (MANE Select); coding-DNA position 6981, G replaced by A.
Protein change: p.Val2327=; no amino-acid change (valine 2327 retained).
Molecular consequence: synonymous variant. On other transcripts: 3 prime UTR variant (3).
Genome position (GRCh38, 1-based): chr19:13,207,853, C>T on the plus strand (G>A on the coding strand, the complement: CACNA1A is on the minus strand). VCF-style: chr19-13207853-C-T. GRCh37 (hg19) VCF-style: chr19-13318667-C-T.
Other names: c.*193G>A (NM_000068.4, NM_001127221.2, NM_001174080.2); c.6999G>A, p.Val2333= (NM_023035.3).
Identifiers: ClinVar variation 2649378 (VCV002649378.25), dbSNP rs2054622648, ClinGen allele CA505785343.

ClinVar aggregate classification (germline): Likely benign. Review status: criteria provided, multiple submitters, no conflicts (2 of 4 stars). 2 submissions from 2 submitters: Likely benign (2). Last evaluated 2024-07-11.

Allele frequency attached by ClinVar (database versions not stated): TOPMed below 0.00001.
gnomAD v4.1: 4 of 1,458,266 alleles (0.00027%); highest among the groups gnomAD compares: African/African-American, 0.0017%; no homozygotes.

Submissions (2):

Blueprint Genetics
Classification: Likely benign. Last evaluated: 2024-07-11. Review status: criteria provided, single submitter. Criteria: ACMG Guidelines, 2015. Collection method: clinical testing. Allele origin: germline.

CeGaT Center for Human Genetics Tuebingen
Classification: Likely benign. Last evaluated: 2023-09-01. Review status: criteria provided, single submitter. Criteria: CeGaT Center For Human Genetics Tuebingen Variant Classification Criteria Version 2. Collection method: clinical testing. Allele origin: germline. Affected: yes. Observed: 1 variant allele.
Comment: CACNA1A: PM2:Supporting, BP4, BP7